The following is an entry in ClinVar:

ClinVar aggregate classification (germline): Likely pathogenic. Review status: reviewed by expert panel (3 of 4 stars). 12 submissions from 12 submitters: Likely pathogenic (1). 11 of the submissions do not count toward it. Last evaluated 2022-10-12.

Conditions:
Very long chain acyl-CoA dehydrogenase deficiency (ACADVLD). Also called: Very Long-Chain Acyl-Coenzyme A Dehydrogenase Deficiency; VLCAD Deficiency. Identifiers: Orphanet 26793, MedGen C3887523, MONDO:0008723, OMIM 201475.

Allele frequency attached by ClinVar (database versions not stated): ESP Exome Variant Server 0.00008; gnomAD 0.00001; ExAC 0.00002; gnomAD exomes 0.00003 and 0.00001; TOPMed 0.00004.
gnomAD v4.1: 14 of 1,614,004 alleles (0.00087%); highest among the groups gnomAD compares: East Asian, 0.0045%; no homozygotes.

Submissions (12):

ClinGen ACADVL Variant Curation Expert Panel, ClinGen
Classification: Likely pathogenic for Very long chain acyl-CoA dehydrogenase deficiency. Last evaluated: 2022-10-12. Review status: reviewed by expert panel. Criteria: clingen acadvl acmg specifications v1. Collection method: curation. Allele origin: germline. Inheritance: Autosomal recessive inheritance.
Comment: The c.1405C>T variant in ACADVL is a missense variant predicted to cause substitution of Arginine by Tryptophan at amino acid 469 (p.Arg469Trp). This variant has been detected in at least 5 individuals with clinical signs of very long chain acyl CoA dehydrogenase (VLCAD) deficiency; 2 were heterozygous for the variant without an identified second distinct variant in ACADVL (PMIDs: 9973285, Olpin SE et al. Int J Neonat Screen. 2017 3(1),2); 3 individuals were homozygous for the variant (PM3 points = 1.0 max, PMID: 9973285) (PM3). ACADVL activity in one patient's fibroblast cell line was observed at <=20% of normal (PMID: 17999356) (PP4_Moderate). Expression of this variant using rACADVL in E. coli showed enzyme activity =< 20% of normal and absence of protein expression indicating that this variant impacts protein function (PMID: 17374501) (PS3_Supporting). This variant resides at a CpG di-nucleotide of ACADVL that is defined as a mutational hotspot by the ClinGen ACADVL Variant Curation Expert Panel (PMID: 9973285) (PM1). The highest population minor allele frequency in gnomAD v2.1.1 is 0.0001087 in the EAS population, which is lower than the ClinGen ACADVL Variant Curation Expert Panel threshold (<0.001) for PM2_Supporting, meeting this criterion (PM2_Supporting). The computational predictor REVEL gives a score of 0.947, which is above the threshold of 0.75, evidence that correlates with impact to ACADVL function (PP3). In summary, this variant meets the criteria to be classified as LIKELY PATHOGENIC for autosomal recessive very long chain acyl-CoA dehydrogenase (VLCAD) deficiency based on the ACMG/AMP criteria applied, as specified by the ClinGen ACADVL Variant Curation Expert Panel: PP4_Moderate, PM3, PM1, PS3_Supporting PM2_Supporting, PP3 (ClinGen ACADVL VCEP specifications version#1; 08-13-2022).

Labcorp Genetics (formerly Invitae), Labcorp
Classification: Pathogenic for Very long chain acyl-CoA dehydrogenase deficiency. Last evaluated: 2025-12-03. Review status: criteria provided, single submitter. Criteria: Invitae Variant Classification Sherloc (09022015). Collection method: clinical testing. Allele origin: germline. Not counted in ClinVar's aggregate classification.
Comment: This sequence change replaces arginine, which is basic and polar, with tryptophan, which is neutral and slightly polar, at codon 469 of the ACADVL protein (p.Arg469Trp). This variant is present in population databases (rs113994170, gnomAD 0.01%). This missense change has been observed in individual(s) with very–long-chain acyl-CoA dehydrogenase (VLCAD) deficiency (PMID: 9973285, 17999356, 27246109). This variant is also known as R429W. ClinVar contains an entry for this variant (Variation ID: 21017). Invitae Evidence Modeling of protein sequence and biophysical properties (such as structural, functional, and spatial information, amino acid conservation, physicochemical variation, residue mobility, and thermodynamic stability) indicates that this missense variant is expected to disrupt ACADVL protein function with a positive predictive value of 80%. Experimental studies have shown that this missense change affects ACADVL function (PMID: 17374501). For these reasons, this variant has been classified as Pathogenic.

ARUP Laboratories, Molecular Genetics and Genomics, ARUP Laboratories
Classification: Pathogenic for Very long chain acyl-CoA dehydrogenase deficiency. Last evaluated: 2025-03-27. Review status: criteria provided, single submitter. Criteria: ARUP Molecular Germline Variant Investigation Process 2024. Collection method: clinical testing. Allele origin: germline. Not counted in ClinVar's aggregate classification.
Comment: The ACADVL c.1405C>T; p.Arg469Trp variant (rs113994170), also known as Arg429Trp, has been reported in multiple individuals with VLCAD deficiency, including three severely affected individuals that were homozygous for the variant (Andresen 1999). Additionally, functional studies have shown that the variant protein has significantly reduced enzymatic activity (Goetzman 2007, Hoffmann 2012). This variant is reported in ClinVar (Variation ID: 21017) and is only observed on seven alleles in the Genome Aggregation Database, indicating it is not a common polymorphism. The arginine at codon 469 is highly conserved, and computational analyses predict that this variant is deleterious (REVEL:0.947). This variant resides at a CpG di-nucleotide of ACADVL that is defined as a mutational hotspot (Andersen 1999). Additionally, other variants at this codon c.1406G>A; p.Arg469Gln have been reported in individuals with VLCAD deficiency and are considered pathogenic (Akar 2021, Andersen 1999). Taken together, this variant is considered pathogenic. References: Akar HT et al. Complicated peripartum course in a patient with very long-chain acyl-coenzyme A dehydrogenase (VLCAD) deficiency. Neuromuscul Disord. 2021 Jun;31(6):566-569. PMID: 33965301. Andresen BS et al. Clear correlation of genotype with disease phenotype in very-long-chain acyl-CoA dehydrogenase deficiency. Am J Hum Genet. 1999 Feb;64(2):479-94. PMID: 9973285. Goetzman ES et al. Expression and characterization of mutations in human very long-chain acyl-CoA dehydrogenase using a prokaryotic system. Mol Genet Metab. 2007 Jun;91(2):138-47. PMID: 17374501. Hoffmann L et al. VLCAD enzyme activity determinations in newborns identified by screening: a valuable tool for risk assessment. J Inherit Metab Dis. 2012 Mar;35(2):269-77. PMID: 21932095.

Baylor Genetics
Classification: Pathogenic for Very long chain acyl-CoA dehydrogenase deficiency. Last evaluated: 2024-01-30. Review status: criteria provided, single submitter. Criteria: ACMG Guidelines, 2015. Collection method: clinical testing. Allele origin: unknown. Not counted in ClinVar's aggregate classification.

Genetics and Molecular Pathology, SA Pathology
Classification: Likely pathogenic for Very long chain acyl-CoA dehydrogenase deficiency. Last evaluated: 2022-03-21. Review status: criteria provided, single submitter. Criteria: ACMG Guidelines, 2015. Collection method: clinical testing. Allele origin: germline. Inheritance: Autosomal recessive inheritance. Affected: yes. Not counted in ClinVar's aggregate classification.

Fulgent Genetics
Classification: Pathogenic for Very long chain acyl-CoA dehydrogenase deficiency. Last evaluated: 2022-03-03. Review status: criteria provided, single submitter. Criteria: ACMG Guidelines, 2015. Collection method: clinical testing. Allele origin: unknown. Not counted in ClinVar's aggregate classification.

Revvity Omics, Revvity
Classification: Pathogenic for Very long chain acyl-CoA dehydrogenase deficiency. Last evaluated: 2022-02-03. Review status: criteria provided, single submitter. Criteria: ACMG Guidelines, 2015. Collection method: clinical testing. Allele origin: germline. Not counted in ClinVar's aggregate classification.

Centre for Inherited Metabolic Diseases, Karolinska University Hospital
Classification: Pathogenic for Very long chain acyl-CoA dehydrogenase deficiency. Last evaluated: 2021-04-13. Review status: criteria provided, single submitter. Criteria: ACMG Guidelines, 2015. Collection method: clinical testing. Allele origin: germline. Inheritance: Autosomal recessive inheritance. Affected: yes. Observed: 1 compound heterozygote. Not counted in ClinVar's aggregate classification.

Wong Mito Lab, Molecular and Human Genetics, Baylor College of Medicine
Classification: Pathogenic for Very long chain acyl-CoA dehydrogenase deficiency. Last evaluated: 2019-11-01. Review status: criteria provided, single submitter. Criteria: ACMG Guidelines, 2015. Collection method: clinical testing. Allele origin: germline. Not counted in ClinVar's aggregate classification.
Comment: The NM_000018.3:c.1405C>T (NP_000009.1:p.Arg469Trp) [GRCH38: NC_000017.11:g.7224040C>T] variant in ACADVL gene is interpretated to be Pathogenic based on ACMG guidelines (PMID: 25741868). This variant has been reported in PMID: 9973285. This variant meets the following evidence codes reported in the ACMG guidelines: PS1, PS3

Juno Genomics, Hangzhou Juno Genomics, Inc
Classification: Likely pathogenic for Very long chain acyl-CoA dehydrogenase deficiency. Review status: criteria provided, single submitter. Criteria: ACMG Guidelines, 2015. Collection method: clinical testing. Allele origin: germline. Not counted in ClinVar's aggregate classification.
Comment: Absent from controls (or at extremely low frequency if recessive) in Genome Aggregation Database.;Multiple lines of computational evidence support a deleterious effect on the gene or gene product.;For recessive disorders, detected in trans with a pathogenic variant.;Patient's phenotype or family history is highly specific for a disease with a single genetic etiology.;Located in a mutational hot spot and/or critical and well-established functional domain without benign variation.

Natera, Inc.
Classification: Pathogenic for Very long chain acyl-CoA dehydrogenase deficiency. Last evaluated: 2021-04-21. Review status: no assertion criteria provided. Collection method: clinical testing. Allele origin: germline. Not counted in ClinVar's aggregate classification.

Counsyl
Classification: Likely pathogenic for Very long chain acyl-CoA dehydrogenase deficiency. Last evaluated: 2014-04-30. Review status: no assertion criteria provided. Collection method: literature only. Allele origin: unknown. Inheritance: Autosomal recessive inheritance. Not counted in ClinVar's aggregate classification.

Literature cited by the submitters: PubMed 9973285 (cited by 3 submitters); PubMed 17999356 (cited by Labcorp Genetics (formerly Invitae), Labcorp and Counsyl); PubMed 27246109 (cited by Labcorp Genetics (formerly Invitae), Labcorp); PubMed 17374501 (cited by Labcorp Genetics (formerly Invitae), Labcorp and Counsyl); PubMed 18227065 (cited by Counsyl); PubMed 21932095 (cited by Counsyl).

NM_000018.4(ACADVL):c.1405C>T (p.Arg469Trp)

Genes: ACADVL (acyl-CoA dehydrogenase very long chain; plus strand), DVL2 (dishevelled segment polarity protein 2; minus strand). Cytogenetic location: 17p13.1.
Variant type: single nucleotide variant.
Coding change: c.1405C>T on transcript NM_000018.4 (MANE Select); coding-DNA position 1405, C replaced by T.
Protein change: p.Arg469Trp; replaces arginine 469 with tryptophan.
Molecular consequence: missense variant.
Genome position (GRCh38, 1-based): chr17:7,224,040, C>T. VCF-style: chr17-7224040-C-T. GRCh37 (hg19) VCF-style: chr17-7127359-C-T.
Other names: NM_000018.4(ACADVL):c.1405C>T; c.1339C>T, p.Arg447Trp (NM_001033859.3); c.1474C>T, p.Arg492Trp (NM_001270447.2); c.1177C>T, p.Arg393Trp (NM_001270448.2); short protein forms R469W, R393W, R492W, R447W.
Identifiers: ClinVar variation 21017 (VCV000021017.41), dbSNP rs113994170, ClinGen allele CA341519.